The following is an entry in ClinVar:

ClinVar aggregate classification (germline): Uncertain significance. Review status: criteria provided, multiple submitters, no conflicts (2 of 4 stars). 2 submissions from 2 submitters: Uncertain significance (2). Last evaluated 2024-09-22.

Conditions:
Hereditary cancer-predisposing syndrome. Also called: Neoplastic Syndromes, Hereditary; Hereditary neoplastic syndrome; Tumor predisposition; Hereditary Cancer Syndrome. Identifiers: Orphanet 140162, MedGen C0027672, MeSH D009386, MONDO:0015356.
Multiple endocrine neoplasia, type 2 (MEN2). Identifiers: Orphanet 653, MedGen C4048306, MONDO:0019003. Disease mechanism: gain of function.

Submissions (2):

Ambry Genetics
Classification: Uncertain significance for Hereditary cancer-predisposing syndrome. Last evaluated: 2024-09-22. Review status: criteria provided, single submitter. Criteria: Ambry Variant Classification Scheme 2023. Collection method: clinical testing. Allele origin: germline.
Comment: The p.E1058A variant (also known as c.3173A>C), located in coding exon 19 of the RET gene, results from an A to C substitution at nucleotide position 3173. The glutamic acid at codon 1058 is replaced by alanine, an amino acid with dissimilar properties. This amino acid position is conserved. In addition, this alteration is predicted to be deleterious by in silico analysis. Based on the available evidence, the clinical significance of this variant remains unclear.

Labcorp Genetics (formerly Invitae), Labcorp
Classification: Uncertain significance for Multiple endocrine neoplasia, type 2. Last evaluated: 2023-03-07. Review status: criteria provided, single submitter. Criteria: Invitae Variant Classification Sherloc (09022015). Collection method: clinical testing. Allele origin: germline.
Comment: This sequence change replaces glutamic acid, which is acidic and polar, with alanine, which is neutral and non-polar, at codon 1058 of the RET protein (p.Glu1058Ala). This variant is not present in population databases (gnomAD no frequency). This variant has not been reported in the literature in individuals affected with RET-related conditions. An algorithm developed to predict the effect of missense changes on protein structure and function (PolyPhen-2) suggests that this variant is likely to be disruptive. In summary, the available evidence is currently insufficient to determine the role of this variant in disease. Therefore, it has been classified as a Variant of Uncertain Significance.

NM_020975.6(RET):c.3173A>C (p.Glu1058Ala)

Gene: RET (ret proto-oncogene; plus strand). Cytogenetic location: 10q11.21.
Variant type: single nucleotide variant.
Coding change: c.3173A>C on transcript NM_020975.6 (MANE Select); coding-DNA position 3173, A replaced by C.
Protein change: p.Glu1058Ala; replaces glutamic acid 1058 with alanine.
Molecular consequence: missense variant. On other transcripts: intron variant (4).
Genome position (GRCh38, 1-based): chr10:43,126,708, A>C. VCF-style: chr10-43126708-A-C. GRCh37 (hg19) VCF-style: chr10-43622156-A-C.
Other names: c.3173A>C, p.Glu1058Ala (NM_000323.2, NM_001406743.1, NM_001406744.1 and 2 more transcripts); c.2411A>C, p.Glu804Ala (NM_001355216.2); c.3044A>C, p.Glu1015Ala (NM_001406761.1, NM_001406762.1, NM_001406764.1); c.3038A>C, p.Glu1013Ala (NM_001406763.1, NM_001406765.1); c.2885A>C, p.Glu962Ala (NM_001406766.1, NM_001406767.1, NM_001406770.1); c.2909A>C, p.Glu970Ala (NM_001406768.1); c.2777A>C, p.Glu926Ala (NM_001406769.1, NM_001406772.1); c.2735A>C, p.Glu912Ala (NM_001406771.1, NM_001406773.1); and 13 more; short protein forms E575A, E714A, E759A, E912A, E1015A, E623A, E663A, E716A.
Identifiers: ClinVar variation 2893616 (VCV002893616.4), dbSNP rs780578577, ClinGen allele CA376558536.
Genomic context (GRCh38, chr10:43,126,708, plus strand): 5'-CACCGCTGGTGGACTGTAATAATGCCCCCCTCCCTCGAGCCCTCCCTTCCACATGGATTG[A>C]AAACAAACTCTATGGTAGAATTTCCCATGCATTTACTAGATTCTAGCACCGCTGTCCCCT-3'
Protein context (NP_066124.1, residues 1048-1068): LPRALPSTWI[Glu1058Ala]NKLYGMSDPN